The following is an entry in ClinVar:

ClinVar aggregate classification (germline): Likely pathogenic (1 of 4 stars; one submission).

Conditions:
Anemia, congenital dyserythropoietic, type 1a (CDAN1A). Also called: CDAN1-Related Congenital Dyserythropoietic Anemia; DYSERYTHROPOIETIC ANEMIA, CONGENITAL, TYPE Ia. Identifiers: MedGen C5574667, MONDO:0009135, OMIM 224120.

Submission:

Juno Genomics, Hangzhou Juno Genomics, Inc
Classification: Likely pathogenic for Anemia, congenital dyserythropoietic, type 1a. Review status: criteria provided, single submitter. Criteria: ACMG Guidelines, 2015. Collection method: clinical testing. Allele origin: germline.
Comment: Null variant in a gene where loss of function (LOF) is a known mechanism of disease.;Absent from controls (or at extremely low frequency if recessive) in Genome Aggregation Database.

NM_138477.4(CDAN1):c.2072_2075del (p.Leu691fs)

Gene: CDAN1 (codanin 1; minus strand). Cytogenetic location: 15q15.2.
Variant type: Deletion.
Coding change: c.2072_2075del on transcript NM_138477.4 (MANE Select); coding-DNA positions 2072 to 2075, 4 bases deleted (TCAC; older notation c.2072_2075delTCAC).
Protein change: p.Leu691fs; shifts the reading frame from leucine 691.
Molecular consequence: frameshift variant.
Genome position (GRCh38, 1-based): chr15:42,730,697-42,730,700, GTGA deleted on the plus strand (TCAC on the coding strand, the reverse complement: CDAN1 is on the minus strand); deleting any 4 consecutive bases within chr15:42,730,697-42,730,701 gives the same sequence; the c. name uses the placement nearest the transcript's 3' end. VCF-style (leftmost placement, unchanged base first): chr15-42730696-GGTGA-G. GRCh37 (hg19) VCF-style: chr15-43022894-GGTGA-G.
Other names: short protein forms L691fs.
Identifiers: ClinVar variation 5005404 (VCV005005404.2).